The following is an entry in ClinVar:

ClinVar aggregate classification (germline): Uncertain significance (1 of 4 stars; one submission).

Conditions:
Cardiovascular phenotype. Identifiers: MedGen CN230736.

Allele frequency attached by ClinVar (database versions not stated): TOPMed below 0.00001; gnomAD 0.00001.
gnomAD v4.1: 9 of 1,559,460 alleles (0.00058%); highest among the groups gnomAD compares: Non-Finnish European, 0.00069%; no homozygotes.

Submission:

Ambry Genetics
Classification: Uncertain significance for Cardiovascular phenotype. Last evaluated: 2025-08-20. Review status: criteria provided, single submitter. Criteria: Ambry Variant Classification Scheme 2023. Collection method: clinical testing. Allele origin: germline.
Comment: The p.S251R variant (also known as c.753C>G), located in coding exon 2 of the JPH2 gene, results from a C to G substitution at nucleotide position 753. The serine at codon 251 is replaced by arginine, an amino acid with dissimilar properties. This amino acid position is well conserved in available vertebrate species. In addition, this alteration is predicted to be tolerated by in silico analysis. Based on the available evidence, the clinical significance of this variant remains unclear.

NM_020433.5(JPH2):c.753C>G (p.Ser251Arg)

Gene: JPH2 (junctophilin 2; minus strand). Cytogenetic location: 20q13.12.
Variant type: single nucleotide variant.
Coding change: c.753C>G on transcript NM_020433.5 (MANE Select); coding-DNA position 753, C replaced by G.
Protein change: p.Ser251Arg; replaces serine 251 with arginine.
Molecular consequence: missense variant.
Genome position (GRCh38, 1-based): chr20:44,160,034, G>C on the plus strand (C>G on the coding strand, the complement: JPH2 is on the minus strand). VCF-style: chr20-44160034-G-C. GRCh37 (hg19) VCF-style: chr20-42788674-G-C.
Other names: short protein forms S251R.
Identifiers: ClinVar variation 1759420 (VCV001759420.3), dbSNP rs749739988, ClinGen allele CA9868822.